The following is an entry in ClinVar:

ClinVar aggregate classification (germline): Likely pathogenic (1 of 4 stars; one submission).

Conditions:
Neurodevelopmental disorder with impaired speech and hyperkinetic movements. Identifiers: MedGen C5193088, MONDO:0032741, OMIM 618425.

Submission:

3billion
Classification: Likely pathogenic for Neurodevelopmental disorder with impaired speech and hyperkinetic movements. Last evaluated: 2022-09-01. Review status: criteria provided, single submitter. Criteria: ACMG Guidelines, 2015. Collection method: clinical testing. Allele origin: germline. Affected: yes. Observed: 1 homozygote.
Comment: The variant is observed at an extremely low frequency in the gnomAD v2.1.1 dataset (total allele frequency: <0.001%). Frameshift variant is predicted to result in a loss or disruption of normal protein function through nonsense-mediated decay (NMD) or protein truncation. Multiple pathogenic variants are reported downstream of the variant. Therefore, this variant is classified as Likely pathogenic according to the recommendation of ACMG/AMP guideline.

NM_001379659.1(ZNF142):c.3755dup (p.Arg1253fs)

Gene: ZNF142 (zinc finger protein 142; minus strand). Cytogenetic location: 2q35.
Variant type: Duplication.
Coding change: c.3755dup on transcript NM_001379659.1 (MANE Select); coding-DNA position 3755, one base duplicated (G; older notation c.3755dupG).
Protein change: p.Arg1253fs; shifts the reading frame from arginine 1253.
Molecular consequence: frameshift variant.
Genome position (GRCh38, 1-based): chr2:218,643,361, C duplicated on the plus strand (G on the coding strand, the reverse complement: ZNF142 is on the minus strand); the first of 7 consecutive C bases (chr2:218,643,361-218,643,367); duplicating any one gives the same sequence. VCF-style (leftmost placement, unchanged base first): chr2-218643360-T-TC. GRCh37 (hg19) VCF-style: chr2-219508083-T-TC.
Other names: c.3149dup, p.Arg1053Thrfs (NM_001105537.5, NM_001366291.3); c.2660dup, p.Arg890Thrfs (NM_001366287.3, NM_001366288.3, NM_001366289.3); c.3755dup, p.Arg1253fs (NM_001366290.3, NM_001379660.1, NM_001379661.1); c.3155dup, p.Arg1053fs (NM_001379662.1); short protein forms R1053fs, R1253fs, R890fs.
Identifiers: ClinVar variation 1705330 (VCV001705330.1), dbSNP rs751589999, ClinGen allele CA2108927.